The following is an entry in ClinVar:

NM_001211.6(BUB1B):c.114G>C (p.Met38Ile)

Gene: BUB1B (BUB1 mitotic checkpoint serine/threonine kinase B; plus strand). Cytogenetic location: 15q15.1.
Variant type: single nucleotide variant.
Coding change: c.114G>C on transcript NM_001211.6 (MANE Select); coding-DNA position 114, G replaced by C.
Protein change: p.Met38Ile; replaces methionine 38 with isoleucine.
Molecular consequence: missense variant.
Genome position (GRCh38, 1-based): chr15:40,165,131, G>C. VCF-style: chr15-40165131-G-C. GRCh37 (hg19) VCF-style: chr15-40457332-G-C.
Other names: short protein forms M38I.
Identifiers: ClinVar variation 1494231 (VCV001494231.8), dbSNP rs2140878505, ClinGen allele CA391677132.
Genomic context (GRCh38, chr15:40,165,131, plus strand): 5'-GGGAGATGAATGGGAACTGAGTAAAGAAAATGTACAACCTTTAAGGCAAGGGCGGATCAT[G>C]TCCACGCTTCAGGGAGCACTGGCACAAGAATCTGCCTGTAACAATACTCTTCAGCAGCAG-3'
Protein context (NP_001202.5, residues 28-48): NVQPLRQGRI[Met38Ile]STLQGALAQE

ClinVar aggregate classification (germline): Uncertain significance (1 of 4 stars; one submission).

Conditions:
Mosaic variegated aneuploidy syndrome 1 (MVA1). Also called: Warburton-Anyane-Yeboa syndrome. Identifiers: Orphanet 1052, MedGen C1850343, MONDO:0009759, OMIM 257300.

Submission:

Labcorp Genetics (formerly Invitae), Labcorp
Classification: Uncertain significance for Mosaic variegated aneuploidy syndrome 1. Last evaluated: 2020-12-18. Review status: criteria provided, single submitter. Criteria: Invitae Variant Classification Sherloc (09022015). Collection method: clinical testing. Allele origin: germline.
Comment: This sequence change replaces methionine with isoleucine at codon 38 of the BUB1B protein (p.Met38Ile). The methionine residue is moderately conserved and there is a small physicochemical difference between methionine and isoleucine. This variant is not present in population databases (ExAC no frequency). This variant has not been reported in the literature in individuals with BUB1B-related conditions. Algorithms developed to predict the effect of missense changes on protein structure and function output the following: SIFT: "Tolerated"; PolyPhen-2: "Benign"; Align-GVGD: "Class C0". The isoleucine amino acid residue is found in multiple mammalian species, suggesting that this missense change does not adversely affect protein function. These predictions have not been confirmed by published functional studies and their clinical significance is uncertain. In summary, the available evidence is currently insufficient to determine the role of this variant in disease. Therefore, it has been classified as a Variant of Uncertain Significance.